The following is an entry in ClinVar:

NM_002778.4(PSAP):c.732T>C (p.Tyr244=)

Gene: PSAP (prosaposin; minus strand). Cytogenetic location: 10q22.1.
Variant type: single nucleotide variant.
Coding change: c.732T>C on transcript NM_002778.4 (MANE Select); coding-DNA position 732, T replaced by C.
Protein change: p.Tyr244=; no amino-acid change (tyrosine 244 retained).
Molecular consequence: synonymous variant.
Genome position (GRCh38, 1-based): chr10:71,825,882, A>G on the plus strand (T>C on the coding strand, the complement: PSAP is on the minus strand). VCF-style: chr10-71825882-A-G. GRCh37 (hg19) VCF-style: chr10-73585639-A-G.
Other names: c.732T>C, p.Tyr244= (NM_001042465.3, NM_001042466.3).
Identifiers: ClinVar variation 1621987 (VCV001621987.9), dbSNP rs146732171, ClinGen allele CA5547671.

ClinVar aggregate classification (germline): Likely benign. Review status: criteria provided, multiple submitters, no conflicts (2 of 4 stars). 2 submissions from 2 submitters: Likely benign (2). Last evaluated 2026-10-01.

Conditions:
Sphingolipid activator protein 1 deficiency. Also called: METACHROMATIC LEUKODYSTROPHY DUE TO CEREBROSIDE SULFATASE ACTIVATOR DEFICIENCY; Metachromatic leukodystrophy due to saposin B deficiency; Saposin B Deficiency. Identifiers: Orphanet 512, MedGen C0268262, MONDO:0009590, OMIM 249900.

Allele frequency attached by ClinVar (database versions not stated): gnomAD exomes below 0.00001; TOPMed below 0.00001; ExAC 0.00001; gnomAD 0.00001; ESP Exome Variant Server 0.00008.
gnomAD v4.1: 6 of 1,613,494 alleles (0.00037%); highest among the groups gnomAD compares: Non-Finnish European, 0.00051%; no homozygotes.

Submissions (2):

CeGaT Center for Human Genetics Tuebingen
Classification: Likely benign. Last evaluated: 2026-10-01. Review status: criteria provided, single submitter. Criteria: CeGaT Center For Human Genetics Tuebingen Variant Classification Criteria Version 2. Collection method: clinical testing. Allele origin: germline. Affected: yes. Observed: 1 variant allele.
Comment: PSAP: BP4, BP7

Labcorp Genetics (formerly Invitae), Labcorp
Classification: Likely benign for Sphingolipid activator protein 1 deficiency. Last evaluated: 2022-06-05. Review status: criteria provided, single submitter. Criteria: Invitae Variant Classification Sherloc (09022015). Collection method: clinical testing. Allele origin: germline.